The following is an entry in ClinVar:

ClinVar aggregate classification (germline): Uncertain significance (1 of 4 stars; one submission).

gnomAD v4.1: 10 of 1,542,336 alleles (0.00065%); highest among the groups gnomAD compares: Non-Finnish European, 0.00071%; no homozygotes.

Submission:

Labcorp Genetics (formerly Invitae), Labcorp
Classification: Uncertain significance. Last evaluated: 2025-02-23. Review status: criteria provided, single submitter. Criteria: Invitae Variant Classification Sherloc (09022015). Collection method: clinical testing. Allele origin: germline.
Comment: This sequence change falls in intron 3 of the IL6ST gene. It does not directly change the encoded amino acid sequence of the IL6ST protein. It affects a nucleotide within the consensus splice site. This variant is not present in population databases (gnomAD no frequency). This variant has not been reported in the literature in individuals affected with IL6ST-related conditions. Variants that disrupt the consensus splice site are a relatively common cause of aberrant splicing (PMID: 17576681, 9536098). Algorithms developed to predict the effect of sequence changes on RNA splicing suggest that this variant is not likely to affect RNA splicing. In summary, the available evidence is currently insufficient to determine the role of this variant in disease. Therefore, it has been classified as a Variant of Uncertain Significance.

Literature cited by the submitters: PubMed 17576681; PubMed 9536098.

NM_002184.4(IL6ST):c.64+4A>C

Gene: IL6ST (interleukin 6 cytokine family signal transducer; minus strand). Cytogenetic location: 5q11.2.
Variant type: single nucleotide variant.
Coding change: c.64+4A>C on transcript NM_002184.4 (MANE Select); 4 bases into the intron after coding-DNA position 64, A replaced by C.
Molecular consequence: intron variant.
Genome position (GRCh38, 1-based): chr5:55,976,211, T>G on the plus strand (A>C on the coding strand, the complement: IL6ST is on the minus strand). VCF-style: chr5-55976211-T-G. GRCh37 (hg19) VCF-style: chr5-55272039-T-G.
Other names: c.64+4A>C (NM_001364276.2, NM_175767.3, NM_001190981.2 and 1 more transcripts); c.-729+4A>C (NM_001364279.2, NM_001364277.2); c.-719+4A>C (NM_001364278.2).
Identifiers: ClinVar variation 4807997 (VCV004807997.1).